The following is an entry in ClinVar:

ClinVar aggregate classification (germline): Benign (1 of 4 stars; one submission).

Allele frequency attached by ClinVar (database versions not stated): 1000 Genomes Project 30x 0.00250; 1000 Genomes Project 0.00300; TOPMed 0.00528; ESP Exome Variant Server 0.00662.
gnomAD v4.1: 14,832 of 1,613,168 alleles (0.92%); highest among the groups gnomAD compares: Non-Finnish European, 1%; 106 homozygotes.

Submission:

CeGaT Center for Human Genetics Tuebingen
Classification: Benign. Last evaluated: 2025-10-01. Review status: criteria provided, single submitter. Criteria: CeGaT Center For Human Genetics Tuebingen Variant Classification Criteria Version 2. Collection method: clinical testing. Allele origin: germline. Affected: yes. Observed: 3 variant alleles.
Comment: PHLDB1: BP4, BP7, BS1, BS2

NM_001144758.3(PHLDB1):c.3615C>T (p.Val1205=)

Gene: PHLDB1 (pleckstrin homology like domain family B member 1; plus strand). Cytogenetic location: 11q23.3.
Variant type: single nucleotide variant.
Coding change: c.3615C>T on transcript NM_001144758.3 (MANE Select); coding-DNA position 3615, C replaced by T.
Protein change: p.Val1205=; no amino-acid change (valine 1205 retained).
Molecular consequence: synonymous variant.
Genome position (GRCh38, 1-based): chr11:118,648,037, C>T. VCF-style: chr11-118648037-C-T. GRCh37 (hg19) VCF-style: chr11-118518753-C-T.
Other names: c.3474C>T, p.Val1158= (NM_001144759.3); c.3615C>T, p.Val1205= (NM_015157.4).
Identifiers: ClinVar variation 2642442 (VCV002642442.24), dbSNP rs117947426, ClinGen allele CA6307468.